The following is an entry in ClinVar:

ClinVar aggregate classification (germline): Uncertain significance (1 of 4 stars; one submission).

Conditions:
Hereditary cancer-predisposing syndrome. Also called: Tumor predisposition; Hereditary neoplastic syndrome; Neoplastic Syndromes, Hereditary; Hereditary Cancer Syndrome. Identifiers: Orphanet 140162, MedGen C0027672, MeSH D009386, MONDO:0015356.

Submission:

Ambry Genetics
Classification: Uncertain significance for Hereditary cancer-predisposing syndrome. Last evaluated: 2025-05-16. Review status: criteria provided, single submitter. Criteria: Ambry Variant Classification Scheme 2023. Collection method: clinical testing. Allele origin: germline.
Comment: The p.M1785V variant (also known as c.5353A>G), located in coding exon 23 of the DICER1 gene, results from an A to G substitution at nucleotide position 5353. The methionine at codon 1785 is replaced by valine, an amino acid with highly similar properties. This amino acid position is conserved. In addition, this alteration is predicted to be deleterious by in silico analysis. Based on the available evidence, the clinical significance of this variant remains unclear.

NM_177438.3(DICER1):c.5353A>G (p.Met1785Val)

Gene: DICER1 (dicer 1, ribonuclease III; minus strand). Cytogenetic location: 14q32.13.
Variant type: single nucleotide variant.
Coding change: c.5353A>G on transcript NM_177438.3 (MANE Select); coding-DNA position 5353, A replaced by G.
Protein change: p.Met1785Val; replaces methionine 1785 with valine.
Molecular consequence: missense variant. On other transcripts: non-coding transcript variant (6).
Genome position (GRCh38, 1-based): chr14:95,093,899, T>C on the plus strand (A>G on the coding strand, the complement: DICER1 is on the minus strand). VCF-style: chr14-95093899-T-C. GRCh37 (hg19) VCF-style: chr14-95560236-T-C.
Other names: c.5353A>G, p.Met1785Val (NM_001195573.1, NM_001271282.3, NM_001291628.2 and 8 more transcripts); c.5071A>G, p.Met1691Val (NM_001395686.1); c.4948A>G, p.Met1650Val (NM_001395687.1, NM_001395688.1, NM_001395689.1 and 1 more transcripts); c.4786A>G, p.Met1596Val (NM_001395691.1); c.3670A>G, p.Met1224Val (NM_001395697.1); short protein forms M1224V, M1596V, M1691V, M1785V, M1650V.
Identifiers: ClinVar variation 4011662 (VCV004011662.1).